The following is an entry in ClinVar:

NM_004304.5(ALK):c.1845G>A (p.Trp615Ter)

Gene: ALK (ALK receptor tyrosine kinase; minus strand). Cytogenetic location: 2p23.2.
Variant type: single nucleotide variant.
Coding change: c.1845G>A on transcript NM_004304.5 (MANE Select); coding-DNA position 1845, G replaced by A.
Protein change: p.Trp615Ter; replaces tryptophan 615 with a stop codon.
Molecular consequence: nonsense.
Genome position (GRCh38, 1-based): chr2:29,275,469, C>T on the plus strand (G>A on the coding strand, the complement: ALK is on the minus strand). VCF-style: chr2-29275469-C-T. GRCh37 (hg19) VCF-style: chr2-29498335-C-T.
Other names: short protein forms W615*.
Identifiers: ClinVar variation 1369880 (VCV001369880.6), dbSNP rs2148215455, ClinGen allele CA346479997.

ClinVar aggregate classification (germline): Uncertain significance (1 of 4 stars; one submission).

Conditions:
Neuroblastoma, susceptibility to, 3. Also called: ALK-Related Neuroblastic Tumor Susceptibility. Identifiers: Orphanet 635, MedGen C2751681, MONDO:0013083, OMIM 613014.

Submission:

Labcorp Genetics (formerly Invitae), Labcorp
Classification: Uncertain significance for Neuroblastoma, susceptibility to, 3. Last evaluated: 2021-07-26. Review status: criteria provided, single submitter. Criteria: Invitae Variant Classification Sherloc (09022015). Collection method: clinical testing. Allele origin: germline.
Comment: This variant is not present in population databases (ExAC no frequency). In summary, the available evidence is currently insufficient to determine the role of this variant in disease. Therefore, it has been classified as a Variant of Uncertain Significance. Algorithms developed to predict the effect of sequence changes on RNA splicing suggest that this variant may create or strengthen a splice site. This variant has not been reported in the literature in individuals affected with ALK-related conditions. This sequence change creates a premature translational stop signal (p.Trp615*) in the ALK gene. It is expected to result in an absent or disrupted protein product. However, the current clinical and genetic evidence is not sufficient to establish whether loss-of-function variants in ALK cause disease.